The following is an entry in ClinVar:

NM_006231.4(POLE):c.2807C>T (p.Pro936Leu)

Gene: POLE (DNA polymerase epsilon, catalytic subunit; minus strand). Cytogenetic location: 12q24.33.
Variant type: single nucleotide variant.
Coding change: c.2807C>T on transcript NM_006231.4 (MANE Select); coding-DNA position 2807, C replaced by T.
Protein change: p.Pro936Leu; replaces proline 936 with leucine.
Molecular consequence: missense variant.
Genome position (GRCh38, 1-based): chr12:132,661,584, G>A on the plus strand (C>T on the coding strand, the complement: POLE is on the minus strand). VCF-style: chr12-132661584-G-A. GRCh37 (hg19) VCF-style: chr12-133238170-G-A.
Other names: short protein forms P936L.
Identifiers: ClinVar variation 940415 (VCV000940415.9), dbSNP rs1192125579, ClinGen allele CA387393723.
Genomic context (GRCh38, chr12:132,661,584, plus strand): 5'-CACCTCTTCTTCAATTTCTTGCCTTCTTCCTTGGAGGCTGGAAGAATCATGGCAAGGTAG[G>A]GCCCATCAACCTCAAAAAAGATGCTGTTCTCTGAGCGGGTGACGTAGGTGAGTGAGGACG-3'
Protein context (NP_006222.2, residues 926-946): ENSIFFEVDG[Pro936Leu]YLAMILPASK

ClinVar aggregate classification (germline): Uncertain significance (1 of 4 stars; one submission).

Allele frequency attached by ClinVar (database versions not stated): gnomAD exomes below 0.00001.

Submission:

Labcorp Genetics (formerly Invitae), Labcorp
Classification: Uncertain significance. Last evaluated: 2019-08-29. Review status: criteria provided, single submitter. Criteria: Invitae Variant Classification Sherloc (09022015). Collection method: clinical testing. Allele origin: germline.
Comment: This variant has not been reported in the literature in individuals with POLE-related conditions. In summary, the available evidence is currently insufficient to determine the role of this variant in disease. Therefore, it has been classified as a Variant of Uncertain Significance. Algorithms developed to predict the effect of missense changes on protein structure and function (SIFT, PolyPhen-2, Align-GVGD) all suggest that this variant is likely to be disruptive, but these predictions have not been confirmed by published functional studies and their clinical significance is uncertain. This variant is not present in population databases (ExAC no frequency). This sequence change replaces proline with leucine at codon 936 of the POLE protein (p.Pro936Leu). The proline residue is highly conserved and there is a moderate physicochemical difference between proline and leucine.